The following is an entry in ClinVar:

ClinVar aggregate classification (germline): Benign (1 of 4 stars; one submission).

Conditions:
Interstitial lung disease due to ABCA3 deficiency. Also called: PULMONARY ALVEOLAR PROTEINOSIS, CONGENITAL, 3. Identifiers: Orphanet 440402, MedGen C1970456, MONDO:0012582, OMIM 610921.

Allele frequency attached by ClinVar (database versions not stated): 1000 Genomes Project 0.00719; 1000 Genomes Project 30x 0.01015; TOPMed 0.01894; gnomAD 0.01933; gnomAD exomes 0.02381.
gnomAD v4.1: 2,853 of 148,860 alleles (1.9%); highest among the groups gnomAD compares: Non-Finnish European, 2.9%; 46 homozygotes.

Submission:

Illumina Laboratory Services, Illumina
Classification: Benign for Interstitial lung disease due to ABCA3 deficiency. Last evaluated: 2018-01-12. Review status: criteria provided, single submitter. Criteria: ICSL Variant Classification Criteria 13 December 2019. Collection method: clinical testing. Allele origin: germline.
Comment: This variant was observed in the ICSL laboratory as part of a predisposition screen in an ostensibly healthy population. It had not been previously curated by ICSL or reported in the Human Gene Mutation Database (HGMD: prior to June 1st, 2018), and was therefore a candidate for classification through an automated scoring system. Utilizing variant allele frequency, disease prevalence and penetrance estimates, and inheritance mode, an automated score was calculated to assess if this variant is too frequent to cause the disease. Based on the score and internal cut-off values, a variant classified as benign is not then subjected to further curation. The score for this variant resulted in a classification of benign for this disease.

NM_001089.3(ABCA3):c.-539+9C>A

Gene: ABCA3 (ATP binding cassette subfamily A member 3; minus strand). Cytogenetic location: 16p13.3.
Variant type: single nucleotide variant.
Coding change: c.-539+9C>A on transcript NM_001089.3 (MANE Select); 9 bases into the intron after 539 bases upstream of the start codon, C replaced by A.
Molecular consequence: intron variant.
Genome position (GRCh38, 1-based): chr16:2,340,564, G>T on the plus strand (C>A on the coding strand, the complement: ABCA3 is on the minus strand). VCF-style: chr16-2340564-G-T. GRCh37 (hg19) VCF-style: chr16-2390565-G-T.
Identifiers: ClinVar variation 318597 (VCV000318597.5), dbSNP rs45501400, ClinGen allele CA10648126.